The following is an entry in ClinVar:

ClinVar aggregate classification (germline): Uncertain significance. Review status: criteria provided, multiple submitters, no conflicts (2 of 4 stars). 3 submissions from 3 submitters: Uncertain significance (3). Last evaluated 2024-08-04.

Conditions:
Familial cancer of breast. Also called: Hereditary breast cancer; hereditary breast carcinoma; BREAST CANCER, FAMILIAL. Identifiers: Orphanet 227535, MedGen C0346153, MONDO:0016419, OMIM 114480. Disease mechanism: loss of function.
Ataxia-telangiectasia syndrome (AT). Also called: Cerebello-oculocutaneous telangiectasia; Immunodeficiency with ataxia telangiectasia; Ataxia-telangiectasia, complementation group E; Ataxia-telangiectasia, complementation group D; AT, COMPLEMENTATION GROUP C; ATAXIA-TELANGIECTASIA, COMPLEMENTATION GROUP A. Identifiers: Orphanet 100, MedGen C0004135, MONDO:0008840, OMIM 208900.
Hereditary cancer-predisposing syndrome. Also called: Hereditary Cancer Syndrome; Neoplastic Syndromes, Hereditary; Hereditary neoplastic syndrome; Tumor predisposition. Identifiers: Orphanet 140162, MedGen C0027672, MeSH D009386, MONDO:0015356.

Allele frequency attached by ClinVar (database versions not stated): gnomAD exomes below 0.00001.
gnomAD v4.1: 1 of 1,612,648 alleles (0.000062%); highest among the groups gnomAD compares: Non-Finnish European, 0.000085%; no homozygotes.

Submissions (3):

Labcorp Genetics (formerly Invitae), Labcorp
Classification: Uncertain significance for Ataxia-telangiectasia syndrome. Last evaluated: 2024-08-04. Review status: criteria provided, single submitter. Criteria: Invitae Variant Classification Sherloc (09022015). Collection method: clinical testing. Allele origin: germline.
Comment: This sequence change replaces aspartic acid, which is acidic and polar, with alanine, which is neutral and non-polar, at codon 1103 of the ATM protein (p.Asp1103Ala). This variant is not present in population databases (gnomAD no frequency). This variant has not been reported in the literature in individuals affected with ATM-related conditions. ClinVar contains an entry for this variant (Variation ID: 823530). An algorithm developed to predict the effect of missense changes on protein structure and function outputs the following: PolyPhen-2: "Benign". The alanine amino acid residue is found in multiple mammalian species, which suggests that this missense change does not adversely affect protein function. In summary, the available evidence is currently insufficient to determine the role of this variant in disease. Therefore, it has been classified as a Variant of Uncertain Significance.

Baylor Genetics
Classification: Uncertain significance for Familial cancer of breast. Last evaluated: 2023-10-14. Review status: criteria provided, single submitter. Criteria: ACMG Guidelines, 2015. Collection method: clinical testing. Allele origin: unknown.

Ambry Genetics
Classification: Uncertain significance for Hereditary cancer-predisposing syndrome. Last evaluated: 2022-02-20. Review status: criteria provided, single submitter. Criteria: Ambry Variant Classification Scheme 2023. Collection method: clinical testing. Allele origin: germline.
Comment: The p.D1103A variant (also known as c.3308A>C), located in coding exon 22 of the ATM gene, results from an A to C substitution at nucleotide position 3308. The aspartic acid at codon 1103 is replaced by alanine, an amino acid with dissimilar properties. This amino acid position is not well conserved in available vertebrate species. In addition, this alteration is predicted to be tolerated by in silico analysis. Since supporting evidence is limited at this time, the clinical significance of this alteration remains unclear.

NM_000051.4(ATM):c.3308A>C (p.Asp1103Ala)

Gene: ATM (ATM serine/threonine kinase; plus strand). Cytogenetic location: 11q22.3.
Variant type: single nucleotide variant.
Coding change: c.3308A>C on transcript NM_000051.4 (MANE Select); coding-DNA position 3308, A replaced by C.
Protein change: p.Asp1103Ala; replaces aspartic acid 1103 with alanine.
Molecular consequence: missense variant.
Genome position (GRCh38, 1-based): chr11:108,279,514, A>C. VCF-style: chr11-108279514-A-C. GRCh37 (hg19) VCF-style: chr11-108150241-A-C.
Other names: c.3308A>C, p.Asp1103Ala (NM_001351834.2); short protein forms D1103A.
Identifiers: ClinVar variation 823530 (VCV000823530.9), dbSNP rs1555090118, ClinGen allele CA382517387.